The following is an entry in ClinVar:

ClinVar aggregate classification (germline): Uncertain significance. Review status: criteria provided, multiple submitters, no conflicts (2 of 4 stars). 2 submissions from 2 submitters: Uncertain significance (2). Last evaluated 2024-07-17.

Conditions:
Cardiovascular phenotype. Identifiers: MedGen CN230736.
DK1-congenital disorder of glycosylation. Also called: DOLK-congenital disorder of glycosylation; Carbohydrate deficient glycoprotein syndrome type 1m; CONGENITAL DISORDER OF GLYCOSYLATION, TYPE Im; CDG Im; DK1 DEFICIENCY; DOLICHOL KINASE DEFICIENCY. Identifiers: Orphanet 91131, MedGen C1835849, MONDO:0012556, OMIM 610768.

Allele frequency attached by ClinVar (database versions not stated): gnomAD 0.00003.

Submissions (2):

Ambry Genetics
Classification: Uncertain significance for Cardiovascular phenotype. Last evaluated: 2024-07-17. Review status: criteria provided, single submitter. Criteria: Ambry Variant Classification Scheme 2023. Collection method: clinical testing. Allele origin: germline.

Labcorp Genetics (formerly Invitae), Labcorp
Classification: Uncertain significance for DK1-congenital disorder of glycosylation. Last evaluated: 2021-08-27. Review status: criteria provided, single submitter. Criteria: Invitae Variant Classification Sherloc (09022015). Collection method: clinical testing. Allele origin: germline.
Comment: This sequence change replaces lysine with asparagine at codon 96 of the DOLK protein (p.Lys96Asn). The lysine residue is weakly conserved and there is a moderate physicochemical difference between lysine and asparagine. This variant is not present in population databases (ExAC no frequency). This variant has not been reported in the literature in individuals affected with DOLK-related conditions. Algorithms developed to predict the effect of missense changes on protein structure and function are either unavailable or do not agree on the potential impact of this missense change (SIFT: "Tolerated"; PolyPhen-2: "Possibly Damaging"; Align-GVGD: "Class C0"). In summary, the available evidence is currently insufficient to determine the role of this variant in disease. Therefore, it has been classified as a Variant of Uncertain Significance.

NM_014908.4(DOLK):c.288G>C (p.Lys96Asn)

Gene: DOLK (dolichol kinase; minus strand). Cytogenetic location: 9q34.11.
Variant type: single nucleotide variant.
Coding change: c.288G>C on transcript NM_014908.4 (MANE Select); coding-DNA position 288, G replaced by C.
Protein change: p.Lys96Asn; replaces lysine 96 with asparagine.
Molecular consequence: missense variant.
Genome position (GRCh38, 1-based): chr9:128,947,016, C>G on the plus strand (G>C on the coding strand, the complement: DOLK is on the minus strand). VCF-style: chr9-128947016-C-G. GRCh37 (hg19) VCF-style: chr9-131709295-C-G.
Other names: short protein forms K96N.
Identifiers: ClinVar variation 581751 (VCV000581751.7), dbSNP rs771259120, ClinGen allele CA375126981.